The following is an entry in ClinVar:

ClinVar aggregate classification (germline): Benign (1 of 4 stars; one submission).

Allele frequency attached by ClinVar (database versions not stated): TOPMed 0.76525; 1000 Genomes Project 30x 0.76936; gnomAD 0.77158 and 0.78234; 1000 Genomes Project 0.78215; gnomAD exomes 0.89682.
gnomAD v4.1: 624,622 of 716,246 alleles (87%); highest among the groups gnomAD compares: East Asian, 100%; 278,520 homozygotes.

Submission:

GeneDx
Classification: Benign. Last evaluated: 2018-06-19. Review status: criteria provided, single submitter. Criteria: GeneDx Variant Classification (06012015). Collection method: clinical testing. Allele origin: germline. Affected: yes.
Comment: This variant is considered likely benign or benign based on one or more of the following criteria: it is a conservative change, it occurs at a poorly conserved position in the protein, it is predicted to be benign by multiple in silico algorithms, and/or has population frequency not consistent with disease.

NM_018136.5(ASPM):c.10331+151A>G

Gene: ASPM (assembly factor for spindle microtubules; minus strand). Cytogenetic location: 1q31.3.
Variant type: single nucleotide variant.
Coding change: c.10331+151A>G on transcript NM_018136.5 (MANE Select); 151 bases into the intron after coding-DNA position 10331, A replaced by G.
Molecular consequence: intron variant.
Genome position (GRCh38, 1-based): chr1:197,086,652, T>C on the plus strand (A>G on the coding strand, the complement: ASPM is on the minus strand). VCF-style: chr1-197086652-T-C. GRCh37 (hg19) VCF-style: chr1-197055782-T-C.
Other names: c.5576+151A>G (NM_001206846.2).
Identifiers: ClinVar variation 678055 (VCV000678055.1), dbSNP rs10733087, ClinGen allele CA35860223.